The following is an entry in ClinVar:

NM_001082486.2(ACD):c.536del (p.Gln179fs)

Gene: ACD (ACD shelterin complex subunit and telomerase recruitment factor; minus strand). Cytogenetic location: 16q22.1.
Variant type: Deletion.
Coding change: c.536del on transcript NM_001082486.2 (MANE Select); coding-DNA position 536, one base deleted (A; older notation c.536delA).
Protein change: p.Gln179fs; shifts the reading frame from glutamine 179.
Molecular consequence: frameshift variant.
Genome position (GRCh38, 1-based): chr16:67,659,037, T deleted on the plus strand (A on the coding strand, the reverse complement: ACD is on the minus strand). VCF-style (leftmost placement, unchanged base first): chr16-67659036-CT-C. GRCh37 (hg19) VCF-style: chr16-67692939-CT-C.
Other names: c.527del, p.Gln176fs (NM_022914.3); short protein forms Q176fs, Q179fs.
Identifiers: ClinVar variation 1055365 (VCV001055365.7), dbSNP rs2142971508, ClinGen allele CA2499223636.

ClinVar aggregate classification (germline): Uncertain significance (1 of 4 stars; one submission).

Conditions:
Dyskeratosis congenita, autosomal dominant 6 (DKCA6). Identifiers: Orphanet 3322, MedGen C4225284, MONDO:0014690, OMIM 616553.

Allele frequency attached by ClinVar (database versions not stated): gnomAD exomes below 0.00001.

Submission:

Labcorp Genetics (formerly Invitae), Labcorp
Classification: Uncertain significance for Dyskeratosis congenita, autosomal dominant 6. Last evaluated: 2025-11-26. Review status: criteria provided, single submitter. Criteria: Invitae Variant Classification Sherloc (09022015). Collection method: clinical testing. Allele origin: germline.
Comment: This sequence change creates a premature translational stop signal (p.Gln265Argfs*15) in the ACD gene. It is expected to result in an absent or disrupted protein product. However, the current clinical and genetic evidence is not sufficient to establish whether loss-of-function variants in ACD cause disease. This variant is not present in population databases (gnomAD no frequency). This variant has not been reported in the literature in individuals affected with ACD-related conditions. ClinVar contains an entry for this variant (Variation ID: 1055365). Algorithms developed to predict the effect of sequence changes on RNA splicing suggest that this variant may disrupt the consensus splice site. In summary, the available evidence is currently insufficient to determine the role of this variant in disease. Therefore, it has been classified as a Variant of Uncertain Significance.